The following is an entry in ClinVar:

NM_198994.3(TGM6):c.397G>A (p.Val133Ile)

Gene: TGM6 (transglutaminase 6; plus strand). Cytogenetic location: 20p13.
Variant type: single nucleotide variant.
Coding change: c.397G>A on transcript NM_198994.3 (MANE Select); coding-DNA position 397, G replaced by A.
Protein change: p.Val133Ile; replaces valine 133 with isoleucine.
Molecular consequence: missense variant.
Genome position (GRCh38, 1-based): chr20:2,395,409, G>A. VCF-style: chr20-2395409-G-A. GRCh37 (hg19) VCF-style: chr20-2376055-G-A.
Other names: c.397G>A, p.Val133Ile (NM_001254734.2); short protein forms V133I.
Identifiers: ClinVar variation 4883693 (VCV004883693.2).
Genomic context (GRCh38, chr20:2,395,409, plus strand): 5'-CTGCTGAGCATCAGGCTTTCCTCTCACCGCAAACACAGCAACCGGAGGCTGGGCGAGTTT[G>A]TTCTCCTTTTCAACCCATGGTGTGCAGGTAGGAGTGGCCAAGTCCAATGCAGAGGTTTTT-3'
Protein context (NP_945345.2, residues 123-143): KHSNRRLGEF[Val133Ile]LLFNPWCAED

ClinVar aggregate classification (germline): Uncertain significance (1 of 4 stars; one submission).

gnomAD v4.1: 1 of 1,614,256 alleles (0.000062%); highest among the groups gnomAD compares: Non-Finnish European, 0.000085%; no homozygotes.

Submission:

Dasa
Classification: Uncertain significance. Last evaluated: 2025-06-17. Review status: criteria provided, single submitter. Criteria: DASA Assertion Criteria. Collection method: clinical testing. Allele origin: germline.
Comment: NM_198994.3(TGM6):c.397G>A (p.Val133Ile) is a missense variant that results in the substitution of valine with isoleucine. This variant is rare in population databases. Computational prediction algorithms are consistent with a benign effect. The currently available literature and clinical evidence are not sufficient to establish a definitive association between this variant and the reported condition. Therefore, this variant is classified as a variant of uncertain significance.